The following is an entry in ClinVar:

NM_019032.6(ADAMTSL4):c.2936G>A (p.Trp979Ter)

Gene: ADAMTSL4 (ADAMTS like 4; plus strand). Cytogenetic location: 1q21.2.
Variant type: single nucleotide variant.
Coding change: c.2936G>A on transcript NM_019032.6 (MANE Select); coding-DNA position 2936, G replaced by A.
Protein change: p.Trp979Ter; replaces tryptophan 979 with a stop codon.
Molecular consequence: nonsense.
Genome position (GRCh38, 1-based): chr1:150,559,459, G>A. VCF-style: chr1-150559459-G-A. GRCh37 (hg19) VCF-style: chr1-150531935-G-A.
Other names: c.2819G>A, p.Trp940Ter (NM_001288607.2); c.3005G>A, p.Trp1002Ter (NM_001288608.2); c.2936G>A, p.Trp979Ter (NM_001378596.1); short protein forms W940*, W1002*, W979*.
Identifiers: ClinVar variation 1381763 (VCV001381763.6), dbSNP rs747161108, ClinGen allele CA1078877.
Genomic context (GRCh38, chr1:150,559,459, plus strand): 5'-CCCCTGCCCTGCAGCCCTGTCAAGGGCAGGCCTGCCAGGACCGATGGTTTTCCACGCCCT[G>A]GAGCCCAGTGAGTGTCTGGCTGCGCTGTCCTGCCCTGCTCAGCCTGGGCCCCTAGGGGAG-3'

ClinVar aggregate classification (germline): Pathogenic (1 of 4 stars; one submission).

Allele frequency attached by ClinVar (database versions not stated): ExAC 0.00001; gnomAD exomes 0.00001; gnomAD 0.00002; TOPMed 0.00002.
gnomAD v4.1: 14 of 1,613,180 alleles (0.00087%); highest among the groups gnomAD compares: African/African-American, 0.0053%; no homozygotes.

Submission:

Labcorp Genetics (formerly Invitae), Labcorp
Classification: Pathogenic. Last evaluated: 2024-09-10. Review status: criteria provided, single submitter. Criteria: Invitae Variant Classification Sherloc (09022015). Collection method: clinical testing. Allele origin: germline.
Comment: This sequence change creates a premature translational stop signal (p.Trp979*) in the ADAMTSL4 gene. It is expected to result in an absent or disrupted protein product. Loss-of-function variants in ADAMTSL4 are known to be pathogenic (PMID: 20564469, 28642162). This variant is present in population databases (rs747161108, gnomAD 0.01%). This variant has not been reported in the literature in individuals affected with ADAMTSL4-related conditions. ClinVar contains an entry for this variant (Variation ID: 1381763). For these reasons, this variant has been classified as Pathogenic.

Literature cited by the submitters: PubMed 20564469; PubMed 28642162.